The following is an entry in ClinVar:

ClinVar aggregate classification (germline): Conflicting classifications of pathogenicity. Review status: criteria provided, conflicting classifications (1 of 4 stars). 3 submissions from 3 submitters: Uncertain significance (1); Likely benign (2). Last evaluated 2024-11-07.

Conditions:
Primary ciliary dyskinesia. Also called: Ciliary dyskinesia. Identifiers: Orphanet 244, MedGen C0008780, MONDO:0016575, HP:0012265.

Submissions (3):

Blueprint Genetics
Classification: Likely benign. Last evaluated: 2024-11-07. Review status: criteria provided, single submitter. Criteria: ACMG Guidelines, 2015. Collection method: clinical testing. Allele origin: germline.

Labcorp Genetics (formerly Invitae), Labcorp
Classification: Uncertain significance for Primary ciliary dyskinesia. Last evaluated: 2024-05-15. Review status: criteria provided, single submitter. Criteria: Invitae Variant Classification Sherloc (09022015). Collection method: clinical testing. Allele origin: germline.
Comment: This variant, c.2958_2984del, results in the deletion of 9 amino acid(s) of the RPGR (ORF15) protein (p.Gly988_Glu996del), but otherwise preserves the integrity of the reading frame. The frequency data for this variant in the population databases is considered unreliable, as metrics indicate poor data quality at this position in the gnomAD database. This variant has not been reported in the literature in individuals affected with RPGR (ORF15)-related conditions. Experimental studies and prediction algorithms are not available or were not evaluated, and the functional significance of this variant is currently unknown. In summary, the available evidence is currently insufficient to determine the role of this variant in disease. Therefore, it has been classified as a Variant of Uncertain Significance.

PreventionGenetics, part of Exact Sciences
Classification: Likely benign. Last evaluated: 2020-12-28. Review status: criteria provided, single submitter. Criteria: ACMG Guidelines, 2015. Collection method: clinical testing. Allele origin: germline.

NM_001034853.2(RPGR):c.2931AGAAGGGGAGGGGGAAGAGGAGGAAGG[1] (p.979GEGEEEEGE[1])

Gene: RPGR (retinitis pigmentosa GTPase regulator; minus strand). Cytogenetic location: Xp11.4.
Variant type: Microsatellite.
Coding change: c.2931AGAAGGGGAGGGGGAAGAGGAGGAAGG[1] on transcript NM_001034853.2 (MANE Select); one copy of the 27-base unit AGAAGGGGAGGGGGAAGAGGAGGAAGG starting at c.2931; the reference has two copies in a row; one copy, 27 bases deleted.
Protein change: p.979GEGEEEEGE[1].
Molecular consequence: inframe deletion. On other transcripts: intron variant (8).
Genome position (GRCh38, 1-based): chrX:38,286,015-38,286,041, CCTTCCTCCTCTTCCCCCTCCCCTTCT deleted on the plus strand (AGAAGGGGAGGGGGAAGAGGAGGAAGG on the coding strand, the reverse complement: RPGR is on the minus strand); deleting any 27 consecutive bases within chrX:38,286,015-38,286,077 gives the same sequence; the position shown is the placement nearest the transcript's 3' end. VCF-style (leftmost placement, unchanged base first): chrX-38286014-CCCTTCCTCCTCTTCCCCCTCCCCTTCT-C. GRCh37 (hg19) VCF-style: chrX-38145267-CCCTTCCTCCTCTTCCCCCTCCCCTTCT-C.
Other names: c.1569+4918_1569+4944del (NM_001367249.1, NM_001367250.1); c.1902+1053_1902+1079del (NM_001367245.1); c.1386+4918_1386+4944del (NM_001367251.1); c.1719+1053_1719+1079del (NM_001367246.1); c.1572+4918_1572+4944del (NM_001367247.1); c.1905+1053_1905+1079del (NM_000328.3); c.1602+4918_1602+4944del (NM_001367248.1).
Identifiers: ClinVar variation 1802307 (VCV001802307.7), dbSNP rs767258184, ClinGen allele CA10385229.